The following is an entry in ClinVar:

ClinVar aggregate classification (germline): Benign. Review status: criteria provided, multiple submitters, no conflicts (2 of 4 stars). 5 submissions from 5 submitters: Benign (3). 2 of the submissions do not count toward it. Last evaluated 2026-01-29.

Conditions:
D2HGDH-related disorder. Also called: D2HGDH-related condition.
D-2-hydroxyglutaric aciduria 1 (D2HGA1). Identifiers: Orphanet 79315, MedGen C3152055, MONDO:0024554, OMIM 600721.

Allele frequency attached by ClinVar (database versions not stated): 1000 Genomes Project 30x 0.00547; gnomAD 0.01298 and 0.01274; ExAC 0.01532; 1000 Genomes Project 0.00579; TOPMed 0.01045; ESP Exome Variant Server 0.01239.
gnomAD v4.1: 23,605 of 1,610,596 alleles (1.5%); highest among the groups gnomAD compares: Non-Finnish European, 1.6%; 242 homozygotes.

Submissions (5):

Labcorp Genetics (formerly Invitae), Labcorp
Classification: Benign for D-2-hydroxyglutaric aciduria 1. Last evaluated: 2026-01-29. Review status: criteria provided, single submitter. Criteria: Invitae Variant Classification Sherloc (09022015). Collection method: clinical testing. Allele origin: germline.

CeGaT Center for Human Genetics Tuebingen
Classification: Benign. Last evaluated: 2022-11-01. Review status: criteria provided, single submitter. Criteria: CeGaT Center For Human Genetics Tuebingen Variant Classification Criteria Version 2. Collection method: clinical testing. Allele origin: germline. Affected: yes. Observed: 2 variant alleles.
Comment: D2HGDH: BS1, BS2

Breakthrough Genomics
Classification: Benign. Review status: criteria provided, single submitter. Criteria: ACMG Guidelines, 2015. Collection method: not provided. Allele origin: germline. Inheritance: Autosomal recessive inheritance. Affected: yes.

PreventionGenetics, part of Exact Sciences
Classification: Benign for D2HGDH-related condition. Last evaluated: 2023-12-19. Review status: no assertion criteria provided. Collection method: clinical testing. Allele origin: germline. Not counted in ClinVar's aggregate classification.
Comment: This variant is classified as benign based on ACMG/AMP sequence variant interpretation guidelines (Richards et al. 2015 PMID: 25741868, with internal and published modifications).

Genetic Services Laboratory, University of Chicago
Classification: Likely benign. Review status: no assertion criteria provided. Collection method: clinical testing. Allele origin: germline. Inheritance: Autosomal recessive inheritance. Not counted in ClinVar's aggregate classification.
Comment: Likely benign based on allele frequency in 1000 Genomes Project or ESP global frequency and its presence in a patient with a rare or unrelated disease phenotype. NOT Sanger confirmed

NM_152783.5(D2HGDH):c.293-23A>T

Gene: D2HGDH (D-2-hydroxyglutarate dehydrogenase; plus strand). Cytogenetic location: 2q37.3.
Variant type: single nucleotide variant.
Coding change: c.293-23A>T on transcript NM_152783.5 (MANE Select); 23 bases into the intron before coding-DNA position 293, A replaced by T.
Molecular consequence: intron variant.
Genome position (GRCh38, 1-based): chr2:241,741,010, A>T. VCF-style: chr2-241741010-A-T. GRCh37 (hg19) VCF-style: chr2-242680425-A-T.
Other names: c.-252-23A>T (NM_001352824.2); c.-110-23A>T (NM_001287249.2); c.293-23A>T (NM_152783.4).
Identifiers: ClinVar variation 158418 (VCV000158418.40), dbSNP rs145731647, ClinGen allele CA171836.